The following is an entry in ClinVar:

NM_005425.5(TNP2):c.315C>T (p.Asn105=)

Gene: TNP2 (transition protein 2; minus strand). Cytogenetic location: 16p13.13.
Variant type: single nucleotide variant.
Coding change: c.315C>T on transcript NM_005425.5 (MANE Select); coding-DNA position 315, C replaced by T.
Protein change: p.Asn105=; no amino-acid change (asparagine 105 retained).
Molecular consequence: synonymous variant.
Genome position (GRCh38, 1-based): chr16:11,268,948, G>A on the plus strand (C>T on the coding strand, the complement: TNP2 is on the minus strand). VCF-style: chr16-11268948-G-A. GRCh37 (hg19) VCF-style: chr16-11362805-G-A.
Identifiers: ClinVar variation 2646215 (VCV002646215.24), dbSNP rs200686074, ClinGen allele CA7902398.
Genomic context (GRCh38, chr16:11,268,948, plus strand): 5'-CACCTGCTGGATCCTCTTGGCCATTTTTTTCTTTTTCAGCTTGCCTTCCAAGTTCTTTCT[G>A]TTCTTGGGGCAGCGGCAGTGCAGGATGGTGGGCCGCATGGGAGAGTGGTGGGAGTTCATA-3'
Protein context (NP_005416.1, residues 95-115): PTILHCRCPK[Asn105=]RKNLEGKLKK

ClinVar aggregate classification (germline): Likely benign (1 of 4 stars; one submission).

Allele frequency attached by ClinVar (database versions not stated): gnomAD exomes 0.00037; gnomAD 0.00042; TOPMed 0.00059; ExAC 0.00060; ESP Exome Variant Server 0.00082.
gnomAD v4.1: 624 of 1,613,410 alleles (0.039%); highest among the groups gnomAD compares: Middle Eastern, 0.17%; no homozygotes.

Submission:

CeGaT Center for Human Genetics Tuebingen
Classification: Likely benign. Last evaluated: 2022-12-01. Review status: criteria provided, single submitter. Criteria: CeGaT Center For Human Genetics Tuebingen Variant Classification Criteria Version 2. Collection method: clinical testing. Allele origin: germline. Affected: yes. Observed: 1 variant allele.
Comment: TNP2: BP4, BP7